The following is an entry in ClinVar:

ClinVar aggregate classification (germline): Uncertain significance (1 of 4 stars; one submission).

Allele frequency attached by ClinVar (database versions not stated): TOPMed below 0.00001; gnomAD 0.00001.
gnomAD v4.1: 1 of 1,613,416 alleles (0.000062%); highest among the groups gnomAD compares: Non-Finnish European, 0.000085%; no homozygotes.

Submission:

Labcorp Genetics (formerly Invitae), Labcorp
Classification: Uncertain significance. Last evaluated: 2021-08-03. Review status: criteria provided, single submitter. Criteria: Invitae Variant Classification Sherloc (09022015). Collection method: clinical testing. Allele origin: germline.
Comment: This variant has not been reported in the literature in individuals affected with ADGRV1-related conditions. This sequence change replaces cysteine with phenylalanine at codon 1594 of the ADGRV1 protein (p.Cys1594Phe). The cysteine residue is highly conserved and there is a large physicochemical difference between cysteine and phenylalanine. This variant is not present in population databases (ExAC no frequency). Algorithms developed to predict the effect of missense changes on protein structure and function are either unavailable or do not agree on the potential impact of this missense change (SIFT: "Deleterious"; PolyPhen-2: "Probably Damaging"; Align-GVGD: "Class C0"). In summary, the available evidence is currently insufficient to determine the role of this variant in disease. Therefore, it has been classified as a Variant of Uncertain Significance.

NM_032119.4(ADGRV1):c.4781G>T (p.Cys1594Phe)

Gene: ADGRV1 (adhesion G protein-coupled receptor V1; plus strand). Cytogenetic location: 5q14.3.
Variant type: single nucleotide variant.
Coding change: c.4781G>T on transcript NM_032119.4 (MANE Select); coding-DNA position 4781, G replaced by T.
Protein change: p.Cys1594Phe; replaces cysteine 1594 with phenylalanine.
Molecular consequence: missense variant. On other transcripts: non-coding transcript variant (1).
Genome position (GRCh38, 1-based): chr5:90,672,574, G>T. VCF-style: chr5-90672574-G-T. GRCh37 (hg19) VCF-style: chr5-89968391-G-T.
Other names: short protein forms C1594F.
Identifiers: ClinVar variation 1427175 (VCV001427175.6), dbSNP rs1481250204, ClinGen allele CA360406818.
Genomic context (GRCh38, chr5:90,672,574, plus strand): 5'-TGCACCTATTAATAATTTACATTCAATTTCAGATTGCAGAGGAGGGATCAACCATTTCTT[G>T]TGTGGTTGAGAGAACCAGAGGAGCTCTGGATTATGTGCATGTTTTTTACACCATTTCACA-3'
Protein context (NP_115495.3, residues 1584-1604): EIAEEGSTIS[Cys1594Phe]VVERTRGALD